The following is an entry in ClinVar:

NM_145290.4(ADGRA3):c.2671A>G (p.Ile891Val)

Gene: ADGRA3 (adhesion G protein-coupled receptor A3; minus strand). Cytogenetic location: 4p15.2.
Variant type: single nucleotide variant.
Coding change: c.2671A>G on transcript NM_145290.4 (MANE Select); coding-DNA position 2671, A replaced by G.
Protein change: p.Ile891Val; replaces isoleucine 891 with valine.
Molecular consequence: missense variant.
Genome position (GRCh38, 1-based): chr4:22,389,140, T>C on the plus strand (A>G on the coding strand, the complement: ADGRA3 is on the minus strand). VCF-style: chr4-22389140-T-C. GRCh37 (hg19) VCF-style: chr4-22390763-T-C.
Other names: short protein forms I891V.
Identifiers: ClinVar variation 1918251 (VCV001918251.6), dbSNP rs765947339, ClinGen allele CA2873561.

ClinVar aggregate classification (germline): Uncertain significance. Review status: criteria provided, multiple submitters, no conflicts (2 of 4 stars). 2 submissions from 2 submitters: Uncertain significance (2). Last evaluated 2026-01-05.

Allele frequency attached by ClinVar (database versions not stated): gnomAD exomes below 0.00001; ExAC 0.00001; gnomAD 0.00001; TOPMed 0.00004.
gnomAD v4.1: 7 of 1,613,954 alleles (0.00043%); highest among the groups gnomAD compares: African/African-American, 0.0067%; no homozygotes.

Submissions (2):

Labcorp Genetics (formerly Invitae), Labcorp
Classification: Uncertain significance. Last evaluated: 2026-01-05. Review status: criteria provided, single submitter. Criteria: Invitae Variant Classification Sherloc (09022015). Collection method: clinical testing. Allele origin: germline.
Comment: This sequence change replaces isoleucine, which is neutral and non-polar, with valine, which is neutral and non-polar, at codon 891 of the ADGRA3 protein (p.Ile891Val). This variant is present in population databases (rs765947339, gnomAD 0.01%). This variant has not been reported in the literature in individuals affected with ADGRA3-related conditions. ClinVar contains an entry for this variant (Variation ID: 1918251). An algorithm developed to predict the effect of missense changes on protein structure and function (PolyPhen-2) suggests that this variant is likely to be disruptive. In summary, the available evidence is currently insufficient to determine the role of this variant in disease. Therefore, it has been classified as a Variant of Uncertain Significance.

Ambry Genetics
Classification: Uncertain significance. Last evaluated: 2021-10-29. Review status: criteria provided, single submitter. Criteria: Ambry Variant Classification Scheme 2023. Collection method: clinical testing. Allele origin: germline.